The following is an entry in ClinVar:

NM_001069.3(TUBB2A):c.875A>G (p.Gln292Arg)

Gene: TUBB2A (tubulin beta 2A class IIa; minus strand). Cytogenetic location: 6p25.2.
Variant type: single nucleotide variant.
Coding change: c.875A>G on transcript NM_001069.3 (MANE Select); coding-DNA position 875, A replaced by G.
Protein change: p.Gln292Arg; replaces glutamine 292 with arginine.
Molecular consequence: missense variant.
Genome position (GRCh38, 1-based): chr6:3,154,326, T>C on the plus strand (A>G on the coding strand, the complement: TUBB2A is on the minus strand). VCF-style: chr6-3154326-T-C. GRCh37 (hg19) VCF-style: chr6-3154560-T-C.
Other names: c.875A>G (NM_001069.2); c.620A>G, p.Gln207Arg (NM_001310315.2); short protein forms Q207R, Q292R.
Identifiers: ClinVar variation 2100268 (VCV002100268.6), dbSNP rs2533524211, ClinGen allele CA362591770.

ClinVar aggregate classification (germline): Conflicting classifications of pathogenicity. Review status: criteria provided, conflicting classifications (1 of 4 stars). 3 submissions from 3 submitters: Likely pathogenic (2); Uncertain significance (1). Last evaluated 2022-09-19.

Conditions:
Complex cortical dysplasia with other brain malformations 5. Identifiers: MedGen C3810407, MONDO:0014337, OMIM 615763.
TUBB2A-related disorder. Also called: TUBB2A-related condition.

Submissions (3):

Labcorp Genetics (formerly Invitae), Labcorp
Classification: Uncertain significance. Last evaluated: 2022-09-19. Review status: criteria provided, single submitter. Criteria: Invitae Variant Classification Sherloc (09022015). Collection method: clinical testing. Allele origin: germline.
Comment: In summary, the available evidence is currently insufficient to determine the role of this variant in disease. Therefore, it has been classified as a Variant of Uncertain Significance. This sequence change replaces glutamine, which is neutral and polar, with arginine, which is basic and polar, at codon 292 of the TUBB2A protein (p.Gln292Arg). This variant is not present in population databases (gnomAD no frequency). This variant has not been reported in the literature in individuals affected with TUBB2A-related conditions. Advanced modeling of protein sequence and biophysical properties (such as structural, functional, and spatial information, amino acid conservation, physicochemical variation, residue mobility, and thermodynamic stability) performed at Invitae indicates that this missense variant is expected to disrupt TUBB2A protein function.

Blueprint Genetics
Classification: Likely pathogenic for TUBB2A-related disorders. Last evaluated: 2018-12-11. Review status: criteria provided, single submitter. Criteria: ACMG Guidelines, 2015. Collection method: clinical testing. Allele origin: de novo. Affected: yes. Observed: 1 variant allele.

Rady Children's Institute for Genomic Medicine, Rady Children's Hospital San Diego
Classification: Likely pathogenic for CORTICAL DYSPLASIA, COMPLEX, WITH OTHER BRAIN MALFORMATIONS 5. Review status: criteria provided, single submitter. Criteria: ACMG Guidelines, 2015. Collection method: clinical testing. Allele origin: germline. Affected: yes.
Comment: This variant has not been previously reported or functionally characterized in the literature to our knowledge. The c.875A>G (p.Gln292Arg) is absent from the gnomAD population database and thus is presumed to be rare. It affects a highly conserved amino acid and is predicted by multiple in silico tools to have a deleterious effect on protein function. Analysis of the parental samples was negative for the variant, indicating this variant likely occurred as a de novo event. Based on the available evidence, the c.875A>G (p.Gln292Arg) variant is classified as Likely Pathogenic.